The following is an entry in ClinVar:

NM_001286577.2(C2CD3):c.5507C>G (p.Thr1836Arg)

Gene: C2CD3 (C2 domain containing 3 centriole elongation regulator; minus strand). Cytogenetic location: 11q13.4.
Variant type: single nucleotide variant.
Coding change: c.5507C>G on transcript NM_001286577.2 (MANE Select); coding-DNA position 5507, C replaced by G.
Protein change: p.Thr1836Arg; replaces threonine 1836 with arginine.
Molecular consequence: missense variant.
Genome position (GRCh38, 1-based): chr11:74,042,207, G>C on the plus strand (C>G on the coding strand, the complement: C2CD3 is on the minus strand). VCF-style: chr11-74042207-G-C. GRCh37 (hg19) VCF-style: chr11-73753252-G-C.
Other names: c.5507C>G, p.Thr1836Arg (NM_015531.6); short protein forms T1836R.
Identifiers: ClinVar variation 1484898 (VCV001484898.6), dbSNP rs2135422143, ClinGen allele CA381825182.

ClinVar aggregate classification (germline): Uncertain significance (1 of 4 stars; one submission).

Allele frequency attached by ClinVar (database versions not stated): gnomAD exomes below 0.00001.
gnomAD v4.1: 1 of 1,573,798 alleles (0.000064%); highest among the groups gnomAD compares: African/African-American, 0.0014%; no homozygotes.

Submission:

Labcorp Genetics (formerly Invitae), Labcorp
Classification: Uncertain significance. Last evaluated: 2024-08-05. Review status: criteria provided, single submitter. Criteria: Invitae Variant Classification Sherloc (09022015). Collection method: clinical testing. Allele origin: germline.
Comment: This sequence change replaces threonine, which is neutral and polar, with arginine, which is basic and polar, at codon 1836 of the C2CD3 protein (p.Thr1836Arg). This variant is not present in population databases (gnomAD no frequency). This variant has not been reported in the literature in individuals affected with C2CD3-related conditions. ClinVar contains an entry for this variant (Variation ID: 1484898). Advanced modeling of protein sequence and biophysical properties (such as structural, functional, and spatial information, amino acid conservation, physicochemical variation, residue mobility, and thermodynamic stability) performed at Invitae indicates that this missense variant is not expected to disrupt C2CD3 protein function with a negative predictive value of 80%. In summary, the available evidence is currently insufficient to determine the role of this variant in disease. Therefore, it has been classified as a Variant of Uncertain Significance.